The following is an entry in ClinVar:

NM_001035.3(RYR2):c.11808A>G (p.Ala3936=)

Gene: RYR2 (ryanodine receptor 2; plus strand). Cytogenetic location: 1q43.
Variant type: single nucleotide variant.
Coding change: c.11808A>G on transcript NM_001035.3 (MANE Select); coding-DNA position 11808, A replaced by G.
Protein change: p.Ala3936=; no amino-acid change (alanine 3936 retained).
Molecular consequence: synonymous variant.
Genome position (GRCh38, 1-based): chr1:237,778,698, A>G. VCF-style: chr1-237778698-A-G. GRCh37 (hg19) VCF-style: chr1-237941998-A-G.
Identifiers: ClinVar variation 3385848 (VCV003385848.1).

ClinVar aggregate classification (germline): Likely benign (1 of 4 stars; one submission).

Conditions:
Catecholaminergic polymorphic ventricular tachycardia (CVPT). Also called: Catecholamine-induced polymorphic ventricular tachycardia. Identifiers: Orphanet 3286, MedGen C5574922, MONDO:0017990.

gnomAD v4.1: 2 of 1,609,650 alleles (0.00012%); highest among the groups gnomAD compares: Middle Eastern, 0.017%; no homozygotes.

Submission:

All of Us Research Program, National Institutes of Health
Classification: Likely benign for Catecholaminergic polymorphic ventricular tachycardia. Last evaluated: 2024-05-14. Review status: criteria provided, single submitter. Criteria: ACMG Guidelines, 2015. Collection method: clinical testing. Allele origin: germline. Inheritance: Autosomal dominant inheritance. Observed: 1 variant allele, 1 heterozygote.
Comment: This study involves interpretation of variants in research participants for the purpose of population health screening. Participant phenotype was not available at the time of variant classification. Additional details can be found in publication PMID: 35346344, PMCID: PMC8962531